The following is an entry in ClinVar:

NM_001364171.2(ODAD1):c.1648G>T (p.Asp550Tyr)

Gene: ODAD1 (outer dynein arm docking complex subunit 1; minus strand). Cytogenetic location: 19q13.33.
Variant type: single nucleotide variant.
Coding change: c.1648G>T on transcript NM_001364171.2 (MANE Select); coding-DNA position 1648, G replaced by T.
Protein change: p.Asp550Tyr; replaces aspartic acid 550 with tyrosine.
Molecular consequence: missense variant.
Genome position (GRCh38, 1-based): chr19:48,297,452, C>A on the plus strand (G>T on the coding strand, the complement: ODAD1 is on the minus strand). VCF-style: chr19-48297452-C-A. GRCh37 (hg19) VCF-style: chr19-48800709-C-A.
Other names: c.1537G>T, p.Asp513Tyr (NM_144577.4); short protein forms D513Y, D550Y.
Identifiers: ClinVar variation 969061 (VCV000969061.9), dbSNP rs776093467, ClinGen allele CA9548592.

ClinVar aggregate classification (germline): Uncertain significance. Review status: criteria provided, multiple submitters, no conflicts (2 of 4 stars). 2 submissions from 2 submitters: Uncertain significance (2). Last evaluated 2024-11-05.

Conditions:
Primary ciliary dyskinesia. Also called: Ciliary dyskinesia. Identifiers: Orphanet 244, MedGen C0008780, MONDO:0016575, HP:0012265.

Allele frequency attached by ClinVar (database versions not stated): gnomAD 0.00002 and 0.00003; TOPMed 0.00002; gnomAD exomes 0.00008; ExAC 0.00012.
gnomAD v4.1: 95 of 1,602,548 alleles (0.0059%); highest among the groups gnomAD compares: Middle Eastern, 0.034%; no homozygotes.

Submissions (2):

Labcorp Genetics (formerly Invitae), Labcorp
Classification: Uncertain significance for Primary ciliary dyskinesia. Last evaluated: 2024-11-05. Review status: criteria provided, single submitter. Criteria: Invitae Variant Classification Sherloc (09022015). Collection method: clinical testing. Allele origin: germline.
Comment: This sequence change replaces aspartic acid, which is acidic and polar, with tyrosine, which is neutral and polar, at codon 513 of the CCDC114 protein (p.Asp513Tyr). This variant is present in population databases (rs776093467, gnomAD 0.01%). This variant has not been reported in the literature in individuals affected with CCDC114-related conditions. ClinVar contains an entry for this variant (Variation ID: 969061). An algorithm developed to predict the effect of missense changes on protein structure and function (PolyPhen-2) suggests that this variant is likely to be disruptive. In summary, the available evidence is currently insufficient to determine the role of this variant in disease. Therefore, it has been classified as a Variant of Uncertain Significance.

Ambry Genetics
Classification: Uncertain significance for Primary ciliary dyskinesia. Last evaluated: 2024-06-05. Review status: criteria provided, single submitter. Criteria: Ambry Variant Classification Scheme 2023. Collection method: clinical testing. Allele origin: germline.